The following is an entry in ClinVar:

ClinVar aggregate classification (germline): Conflicting classifications of pathogenicity. Review status: criteria provided, conflicting classifications (1 of 4 stars). 13 submissions from 13 submitters: Uncertain significance (1); Benign (4); Likely benign (6). 2 of the submissions do not count toward it. Last evaluated 2026-09-01.

Conditions:
Autoinflammatory syndrome. Identifiers: Orphanet 93665, MedGen C3890737, MONDO:0019751.
Familial cold autoinflammatory syndrome 2 (FCAS2). Identifiers: Orphanet 247868, MedGen C2673198, MONDO:0012724, OMIM 611762.

Allele frequency attached by ClinVar (database versions not stated): 1000 Genomes Project 0.00220; 1000 Genomes Project 30x 0.00234; TOPMed 0.00241; ESP Exome Variant Server 0.00269; gnomAD 0.00376 and 0.00392; gnomAD exomes 0.00386 and 0.00432; ExAC 0.00424.

Submissions (13):

CeGaT Center for Human Genetics Tuebingen
Classification: Likely benign. Last evaluated: 2026-09-01. Review status: criteria provided, single submitter. Criteria: CeGaT Center For Human Genetics Tuebingen Variant Classification Criteria Version 2. Collection method: clinical testing. Allele origin: germline. Affected: yes. Observed: 12 variant alleles.
Comment: NLRP12: BP4

Labcorp Genetics (formerly Invitae), Labcorp
Classification: Benign for Familial cold autoinflammatory syndrome 2. Last evaluated: 2026-02-03. Review status: criteria provided, single submitter. Criteria: Invitae Variant Classification Sherloc (09022015). Collection method: clinical testing. Allele origin: germline.

Women's Health and Genetics/Laboratory Corporation of America, LabCorp
Classification: Likely benign. Last evaluated: 2026-01-22. Review status: criteria provided, single submitter. Criteria: LabCorp Variant Classification Summary - May 2015. Collection method: clinical testing. Allele origin: germline.

ARUP Laboratories, Molecular Genetics and Genomics, ARUP Laboratories
Classification: Likely benign for Familial cold autoinflammatory syndrome 2. Last evaluated: 2025-05-13. Review status: criteria provided, single submitter. Criteria: ARUP Molecular Germline Variant Investigation Process 2024. Collection method: clinical testing. Allele origin: germline.

Blueprint Genetics
Classification: Likely benign. Last evaluated: 2024-11-27. Review status: criteria provided, single submitter. Criteria: ACMG Guidelines, 2015. Collection method: clinical testing. Allele origin: germline.

Center for Genomics, Ann and Robert H. Lurie Children's Hospital of Chicago
Classification: Likely benign for Familial cold autoinflammatory syndrome 2. Last evaluated: 2022-10-13. Review status: criteria provided, single submitter. Criteria: ACMG Guidelines, 2015. Collection method: clinical testing. Allele origin: germline.
Comment: This variant has been reported in the literature in several individuals with features of immunodeficiency or autoimmunity, including periodic fevers, in the heterozygous and compound heterozygous state (Borte 2014 PMID: 25064829, Rusmini 2016 PMID: 26386126, Cetinkaya 2018 PMID: 29307770, Kostik 2018 PMID: 29500522, Ledesma 2019 PMID: 31836009, Suspitsin 2020 PMID: 32441320). This variant is present in the Genome Aggregation Database (Highest reported MAF: 2.1% [515/25100], including 3 homozygotes). This variant is present in ClinVar, with several labs classifying this variant as likely benign or benign (Variation ID: 262532). Evolutionary conservation and computational predictive tools suggest that this variant may impact the protein. In summary, data on this variant suggests that this variant does not cause Mendelian disease but requires further evidence. Therefore, this variant is classified as likely benign.

Genome Diagnostics Laboratory, The Hospital for Sick Children
Classification: Benign for Autoinflammatory syndrome. Last evaluated: 2022-05-03. Review status: criteria provided, single submitter. Criteria: ACMG Guidelines, 2015. Collection method: clinical testing. Allele origin: germline. Affected: yes.

Mendelics
Classification: Benign for Familial cold autoinflammatory syndrome 2. Last evaluated: 2019-05-28. Review status: criteria provided, single submitter. Criteria: Mendelics Assertion Criteria 2017. Collection method: clinical testing. Allele origin: unknown.

Illumina Laboratory Services, Illumina
Classification: Benign for Familial cold autoinflammatory syndrome 2. Last evaluated: 2018-01-13. Review status: criteria provided, single submitter. Criteria: ICSL Variant Classification Criteria 13 December 2019. Collection method: clinical testing. Allele origin: germline.
Comment: This variant was observed in the ICSL laboratory as part of a predisposition screen in an ostensibly healthy population. It had not been previously curated by ICSL or reported in the Human Gene Mutation Database (HGMD: prior to June 1st, 2018), and was therefore a candidate for classification through an automated scoring system. Utilizing variant allele frequency, disease prevalence and penetrance estimates, and inheritance mode, an automated score was calculated to assess if this variant is too frequent to cause the disease. Based on the score and internal cut-off values, a variant classified as benign is not then subjected to further curation. The score for this variant resulted in a classification of benign for this disease.

Mayo Clinic Laboratories, Mayo Clinic
Classification: Uncertain significance for Familial cold autoinflammatory syndrome 2. Last evaluated: 2016-08-02. Review status: criteria provided, single submitter. Criteria: ACMG Guidelines, 2015. Collection method: clinical testing. Allele origin: maternal.

PreventionGenetics, part of Exact Sciences
Classification: Likely benign. Review status: criteria provided, single submitter. Criteria: ACMG Guidelines, 2015. Collection method: clinical testing. Allele origin: germline.

Clinical Genetics DNA and cytogenetics Diagnostics Lab, Erasmus MC, Erasmus Medical Center
Classification: Likely benign. Review status: no assertion criteria provided. Collection method: clinical testing. Allele origin: germline. Affected: yes. Study: VKGL Data-share Consensus. Not counted in ClinVar's aggregate classification.

Genome Diagnostics Laboratory, University Medical Center Utrecht
Classification: Likely benign. Review status: no assertion criteria provided. Collection method: clinical testing. Allele origin: germline. Affected: yes. Study: VKGL Data-share Consensus. Not counted in ClinVar's aggregate classification.

NM_144687.4(NLRP12):c.910C>T (p.His304Tyr)

Gene: NLRP12 (NLR family pyrin domain containing 12; minus strand). Cytogenetic location: 19q13.42.
Variant type: single nucleotide variant.
Coding change: c.910C>T on transcript NM_144687.4 (MANE Select); coding-DNA position 910, C replaced by T.
Protein change: p.His304Tyr; replaces histidine 304 with tyrosine.
Molecular consequence: missense variant.
Genome position (GRCh38, 1-based): chr19:53,810,749, G>A on the plus strand (C>T on the coding strand, the complement: NLRP12 is on the minus strand). VCF-style: chr19-53810749-G-A. GRCh37 (hg19) VCF-style: chr19-54314003-G-A.
Other names: c.910C>T, p.His304Tyr (NM_001277126.2, NM_001277129.1); short protein forms H304Y.
Identifiers: ClinVar variation 262532 (VCV000262532.69), dbSNP rs141245482, ClinGen allele CA9639573.